The following is an entry in ClinVar:

NM_005585.5(SMAD6):c.556C>T (p.Arg186Cys)

Gene: SMAD6 (SMAD family member 6; plus strand). Cytogenetic location: 15q22.31.
Variant type: single nucleotide variant.
Coding change: c.556C>T on transcript NM_005585.5 (MANE Select); coding-DNA position 556, C replaced by T.
Protein change: p.Arg186Cys; replaces arginine 186 with cysteine.
Molecular consequence: missense variant. On other transcripts: non-coding transcript variant (1).
Genome position (GRCh38, 1-based): chr15:66,703,814, C>T. VCF-style: chr15-66703814-C-T. GRCh37 (hg19) VCF-style: chr15-66996152-C-T.
Other names: c.556C>T (NM_005585.4); short protein forms R186C.
Identifiers: ClinVar variation 2197846 (VCV002197846.7), dbSNP rs750113088, ClinGen allele CA7626487.
Genomic context (GRCh38, chr15:66,703,814, plus strand): 5'-CTGCTGCTGGAGCAGGAACTCAAAACCGTCACGTACTCGCTGCTGAAGCGGCTCAAGGAG[C>T]GCTCGCTGGACACGCTGCTGGAGGCGGTGGAGTCCCGCGGCGGCGTGCCGGGCGGCTGCG-3'
Protein context (NP_005576.3, residues 176-196): TYSLLKRLKE[Arg186Cys]SLDTLLEAVE

ClinVar aggregate classification (germline): Uncertain significance. Review status: criteria provided, multiple submitters, no conflicts (2 of 4 stars). 2 submissions from 2 submitters: Uncertain significance (2). Last evaluated 2025-11-26.

Conditions:
Inborn genetic diseases. Identifiers: MedGen C0950123, MeSH D030342.
Aortic valve disease 2 (AOVD2). Identifiers: MedGen C3542024, MONDO:0013902, OMIM 614823.

Allele frequency attached by ClinVar (database versions not stated): TOPMed 0.00002; gnomAD 0.00005; ExAC 0.00009.
gnomAD v4.1: 13 of 1,428,142 alleles (0.00091%); highest among the groups gnomAD compares: African/African-American, 0.013%; no homozygotes.

Submissions (2):

Ambry Genetics
Classification: Uncertain significance for Inborn genetic diseases. Last evaluated: 2025-11-26. Review status: criteria provided, single submitter. Criteria: Ambry Variant Classification Scheme 2023. Collection method: clinical testing. Allele origin: germline.

Labcorp Genetics (formerly Invitae), Labcorp
Classification: Uncertain significance for Aortic valve disease 2. Last evaluated: 2025-05-30. Review status: criteria provided, single submitter. Criteria: Invitae Variant Classification Sherloc (09022015). Collection method: clinical testing. Allele origin: germline.
Comment: This sequence change replaces arginine, which is basic and polar, with cysteine, which is neutral and slightly polar, at codon 186 of the SMAD6 protein (p.Arg186Cys). The frequency data for this variant in the population databases is considered unreliable, as metrics indicate poor data quality at this position in the gnomAD database. This variant has not been reported in the literature in individuals affected with SMAD6-related conditions. ClinVar contains an entry for this variant (Variation ID: 2197846). Invitae Evidence Modeling of protein sequence and biophysical properties (such as structural, functional, and spatial information, amino acid conservation, physicochemical variation, residue mobility, and thermodynamic stability) indicates that this missense variant is not expected to disrupt SMAD6 protein function with a negative predictive value of 80%. In summary, the available evidence is currently insufficient to determine the role of this variant in disease. Therefore, it has been classified as a Variant of Uncertain Significance.